The following is an entry in ClinVar:

ClinVar aggregate classification (germline): Uncertain significance. Review status: criteria provided, multiple submitters, no conflicts (2 of 4 stars). 2 submissions from 2 submitters: Uncertain significance (2). Last evaluated 2024-07-25.

Conditions:
Epilepsy, familial focal, with variable foci 3 (FFEVF3). Identifiers: MedGen C4310708, MONDO:0014925, OMIM 617118.

gnomAD v4.1: 4 of 1,610,858 alleles (0.00025%); highest among the groups gnomAD compares: African/African-American, 0.0013%; no homozygotes.

Submissions (2):

GeneDx
Classification: Uncertain significance. Last evaluated: 2024-07-25. Review status: criteria provided, single submitter. Criteria: GeneDx Variant Classification Process June 2021. Collection method: clinical testing. Allele origin: germline. Affected: yes.
Comment: Not observed at significant frequency in large population cohorts (gnomAD); In silico analysis supports that this missense variant has a deleterious effect on protein structure/function; Has not been previously published as pathogenic or benign to our knowledge

Labcorp Genetics (formerly Invitae), Labcorp
Classification: Uncertain significance for Epilepsy, familial focal, with variable foci 3. Last evaluated: 2022-10-21. Review status: criteria provided, single submitter. Criteria: Invitae Variant Classification Sherloc (09022015). Collection method: clinical testing. Allele origin: germline.
Comment: This sequence change replaces arginine, which is basic and polar, with serine, which is neutral and polar, at codon 158 of the NPRL3 protein (p.Arg158Ser). This variant is not present in population databases (gnomAD no frequency). This variant has not been reported in the literature in individuals affected with NPRL3-related conditions. Advanced modeling of protein sequence and biophysical properties (such as structural, functional, and spatial information, amino acid conservation, physicochemical variation, residue mobility, and thermodynamic stability) performed at Invitae indicates that this missense variant is not expected to disrupt NPRL3 protein function. In summary, the available evidence is currently insufficient to determine the role of this variant in disease. Therefore, it has been classified as a Variant of Uncertain Significance.

NM_001077350.3(NPRL3):c.472C>A (p.Arg158Ser)

Genes: HBA-LCR (alpha-globin locus control region; plus strand), NPRL3 (NPR3 like, GATOR1 complex subunit; minus strand). Cytogenetic location: 16p13.3.
Variant type: single nucleotide variant.
Coding change: c.472C>A on transcript NM_001077350.3 (MANE Select); coding-DNA position 472, C replaced by A.
Protein change: p.Arg158Ser; replaces arginine 158 with serine.
Molecular consequence: missense variant. On other transcripts: 5 prime UTR variant (1).
Genome position (GRCh38, 1-based): chr16:112,697, G>T on the plus strand (C>A on the coding strand, the complement: NPRL3 is on the minus strand). VCF-style: chr16-112697-G-T. GRCh37 (hg19) VCF-style: chr16-162696-G-T.
Other names: c.472C>A (NM_001077350.2); c.-66C>A (NM_001039476.3); c.238C>A, p.Arg80Ser (NM_001243247.2); c.397C>A, p.Arg133Ser (NM_001243248.2, NM_001243249.2); short protein forms R133S, R158S, R80S.
Identifiers: ClinVar variation 2781100 (VCV002781100.4), dbSNP rs775239262, ClinGen allele CA276417003.